The following is an entry in ClinVar:

NM_007194.4(CHEK2):c.31C>T (p.Gln11Ter)

Gene: CHEK2 (checkpoint kinase 2; minus strand). Cytogenetic location: 22q12.1.
Variant type: single nucleotide variant.
Coding change: c.31C>T on transcript NM_007194.4 (MANE Select); coding-DNA position 31, C replaced by T.
Protein change: p.Gln11Ter; replaces glutamine 11 with a stop codon.
Molecular consequence: nonsense.
Genome position (GRCh38, 1-based): chr22:28,734,691, G>A on the plus strand (C>T on the coding strand, the complement: CHEK2 is on the minus strand). VCF-style: chr22-28734691-G-A. GRCh37 (hg19) VCF-style: chr22-29130679-G-A.
Other names: c.31C>T, p.Gln11Ter (NM_001005735.3, NM_001349956.3, NM_145862.3); c.-747C>T (NM_001257387.3); short protein forms Q11*.
Identifiers: ClinVar variation 663531 (VCV000663531.14), dbSNP rs1349961118, ClinGen allele CA411091990.
Genomic context (GRCh38, chr22:28,734,691, plus strand): 5'-AGCCTTGGGACTGGGTAACGCTGCCATGGGGCTGTGAACAGGCACTGCTGCCATGAGACT[G>A]CTGAGCCTCAACATCCGACTCCCGAGACATCACGACCTCAAAAAGAAAGTGTCCAACAAC-3'

ClinVar aggregate classification (germline): Pathogenic/Likely pathogenic. Review status: criteria provided, multiple submitters, no conflicts (2 of 4 stars). 4 submissions from 4 submitters: Pathogenic (2); Likely pathogenic (2). Last evaluated 2024-03-24.

Conditions:
Familial prostate cancer. Also called: Hereditary Prostate Cancer. Identifiers: MedGen C2931456, MONDO:0700275, OMIM 176807.
CHEK2-related cancer predisposition (TPDS4). Also called: TUMOR PREDISPOSITION SYNDROME 4; CANCER PREDISPOSITION SYNDROME, CHEK2-RELATED; CHEK2-related cancer susceptibility. Identifiers: Orphanet 524, MedGen C5882668, MONDO:0700271, OMIM 609265.
Bone osteosarcoma. Also called: Osteosarcoma, somatic. Identifiers: Orphanet 668, MedGen C0585442, MONDO:0002629, OMIM 259500.
Hereditary cancer-predisposing syndrome. Also called: Hereditary Cancer Syndrome; Hereditary neoplastic syndrome; Tumor predisposition; Neoplastic Syndromes, Hereditary. Identifiers: Orphanet 140162, MedGen C0027672, MeSH D009386, MONDO:0015356.
Familial cancer of breast. Also called: Hereditary breast cancer; BREAST CANCER, FAMILIAL; hereditary breast carcinoma. Identifiers: Orphanet 227535, MedGen C0346153, MONDO:0016419, OMIM 114480. Disease mechanism: loss of function.

gnomAD v4.1: 1 of 1,613,746 alleles (0.000062%); highest among the groups gnomAD compares: South Asian, 0.0011%; no homozygotes.

Submissions (4):

Fulgent Genetics
Classification: Likely pathogenic for Familial prostate cancer; Bone osteosarcoma; CHEK2-related cancer predisposition. Last evaluated: 2024-03-24. Review status: criteria provided, single submitter. Criteria: ACMG Guidelines, 2015. Collection method: clinical testing. Allele origin: germline.

Labcorp Genetics (formerly Invitae), Labcorp
Classification: Pathogenic for Familial cancer of breast. Last evaluated: 2023-10-11. Review status: criteria provided, single submitter. Criteria: Invitae Variant Classification Sherloc (09022015). Collection method: clinical testing. Allele origin: germline.
Comment: This sequence change creates a premature translational stop signal (p.Gln11*) in the CHEK2 gene. It is expected to result in an absent or disrupted protein product. Loss-of-function variants in CHEK2 are known to be pathogenic (PMID: 21876083, 24713400). This variant is not present in population databases (gnomAD no frequency). This variant has not been reported in the literature in individuals affected with CHEK2-related conditions. ClinVar contains an entry for this variant (Variation ID: 663531). For these reasons, this variant has been classified as Pathogenic.

Ambry Genetics
Classification: Pathogenic for Hereditary cancer-predisposing syndrome. Last evaluated: 2022-06-08. Review status: criteria provided, single submitter. Criteria: Ambry Variant Classification Scheme 2023. Collection method: clinical testing. Allele origin: germline.
Comment: The p.Q11* pathogenic mutation (also known as c.31C>T), located in coding exon 1 of the CHEK2 gene, results from a C to T substitution at nucleotide position 31. This changes the amino acid from a glutamine to a stop codon within coding exon 1. This alteration is expected to result in loss of function by premature protein truncation or nonsense-mediated mRNA decay. As such, this alteration is interpreted as a disease-causing mutation.

Baylor Genetics
Classification: Likely pathogenic for Familial cancer of breast. Last evaluated: 2021-09-03. Review status: criteria provided, single submitter. Criteria: ACMG Guidelines, 2015. Collection method: clinical testing. Allele origin: unknown.

Literature cited by the submitters: PubMed 21876083 (cited by Labcorp Genetics (formerly Invitae), Labcorp); PubMed 24713400 (cited by Labcorp Genetics (formerly Invitae), Labcorp).